The following is an entry in ClinVar:

ClinVar aggregate classification (germline): Likely benign (0 of 4 stars; one submission).

Conditions:
PLXNA1-related disorder. Also called: PLXNA1-related condition.

gnomAD v4.1: 6 of 1,613,498 alleles (0.00037%); highest among the groups gnomAD compares: Admixed American, 0.0017%; no homozygotes.

Submission:

PreventionGenetics, part of Exact Sciences
Classification: Likely benign for PLXNA1-related condition. Last evaluated: 2022-03-16. Review status: no assertion criteria provided. Collection method: clinical testing. Allele origin: germline.
Comment: This variant is classified as likely benign based on ACMG/AMP sequence variant interpretation guidelines (Richards et al. 2015 PMID: 25741868, with internal and published modifications).

NM_032242.4(PLXNA1):c.4740T>C (p.Asp1580=)

Gene: PLXNA1 (plexin A1; plus strand). Cytogenetic location: 3q21.3.
Variant type: single nucleotide variant.
Coding change: c.4740T>C on transcript NM_032242.4 (MANE Select); coding-DNA position 4740, T replaced by C.
Protein change: p.Asp1580=; no amino-acid change (aspartic acid 1580 retained).
Molecular consequence: synonymous variant.
Genome position (GRCh38, 1-based): chr3:127,029,063, T>C. VCF-style: chr3-127029063-T-C. GRCh37 (hg19) VCF-style: chr3-126747906-T-C.
Identifiers: ClinVar variation 3354854 (VCV003354854.1).